The following is an entry in ClinVar:

NM_000284.4(PDHA1):c.*614G>T

Genes: MAP3K15 (mitogen-activated protein kinase kinase kinase 15; minus strand), PDHA1 (pyruvate dehydrogenase E1 subunit alpha 1; plus strand). Cytogenetic location: Xp22.12.
Variant type: single nucleotide variant.
Coding change: c.*614G>T on transcript NM_000284.4 (MANE Select); 614 bases downstream of the stop codon, G replaced by T.
Molecular consequence: 3 prime UTR variant.
Genome position (GRCh38, 1-based): chrX:19,360,267, G>T. VCF-style: chrX-19360267-G-T. GRCh37 (hg19) VCF-style: chrX-19378385-G-T.
Other names: c.*482C>A (NM_001001671.4); c.*614G>T (NM_001173454.2, NM_001173455.2, NM_001173456.2).
Identifiers: ClinVar variation 914460 (VCV000914460.5), dbSNP rs5955761, ClinGen allele CA327032112.
Genomic context (GRCh38, chrX:19,360,267, plus strand): 5'-CTGTTCATATCAAACATTAACTACAAGGCACATTCGTATCAGTTTTGTGTTTCTCAAATT[G>T]AAGTACCATACCAGTTCTGAGGCAGTGTCCCAGCTTCCATGTTTGTTAAATACCCCTTGT-3'

ClinVar aggregate classification (germline): Benign. Review status: criteria provided, multiple submitters, no conflicts (2 of 4 stars). 2 submissions from 2 submitters: Benign (2). Last evaluated 2018-01-12.

Conditions:
Pyruvate dehydrogenase E1-alpha deficiency (PDHAD). Also called: ATAXIA, INTERMITTENT, WITH PYRUVATE DEHYDROGENASE DEFICIENCY; ATAXIA WITH LACTIC ACIDOSIS I; ATAXIA, INTERMITTENT, WITH ABNORMAL PYRUVATE METABOLISM; Ataxia, intermittent, with pyruvate dehydrogenase, or decarboxylase, deficiency. Identifiers: Orphanet 79243, MedGen C1839413, MONDO:0010717, OMIM 312170.

Allele frequency attached by ClinVar (database versions not stated): gnomAD exomes 0.02875; gnomAD 0.06269 and 0.06313; TOPMed 0.06756; 1000 Genomes Project 0.08106; 1000 Genomes Project 30x 0.08366.
gnomAD v4.1: 7,715 of 134,872 alleles (5.7%); highest among the groups gnomAD compares: African/African-American, 15%; 325 homozygotes.

Submissions (2):

Illumina Laboratory Services, Illumina
Classification: Benign for Pyruvate dehydrogenase E1-alpha deficiency. Last evaluated: 2018-01-12. Review status: criteria provided, single submitter. Criteria: ICSL Variant Classification Criteria 13 December 2019. Collection method: clinical testing. Allele origin: germline.
Comment: This variant was observed in the ICSL laboratory as part of a predisposition screen in an ostensibly healthy population. It had not been previously curated by ICSL or reported in the Human Gene Mutation Database (HGMD: prior to June 1st, 2018), and was therefore a candidate for classification through an automated scoring system. Utilizing variant allele frequency, disease prevalence and penetrance estimates, and inheritance mode, an automated score was calculated to assess if this variant is too frequent to cause the disease. Based on the score and internal cut-off values, a variant classified as benign is not then subjected to further curation. The score for this variant resulted in a classification of benign for this disease.

Breakthrough Genomics
Classification: Benign. Review status: criteria provided, single submitter. Criteria: ACMG Guidelines, 2015. Collection method: not provided. Allele origin: germline. Inheritance: X-linked inheritance. Affected: yes.